The following is an entry in ClinVar:

NM_002485.5(NBN):c.1298C>A (p.Pro433Gln)

Gene: NBN (nibrin; minus strand). Cytogenetic location: 8q21.3.
Variant type: single nucleotide variant.
Coding change: c.1298C>A on transcript NM_002485.5 (MANE Select); coding-DNA position 1298, C replaced by A.
Protein change: p.Pro433Gln; replaces proline 433 with glutamine.
Molecular consequence: missense variant.
Genome position (GRCh38, 1-based): chr8:89,955,382, G>T on the plus strand (C>A on the coding strand, the complement: NBN is on the minus strand). VCF-style: chr8-89955382-G-T. GRCh37 (hg19) VCF-style: chr8-90967610-G-T.
Other names: c.1052C>A, p.Pro351Gln (NM_001024688.3); short protein forms P351Q, P433Q.
Identifiers: ClinVar variation 1769264 (VCV001769264.2), dbSNP rs1554559140, ClinGen allele CA371656167.

ClinVar aggregate classification (germline): Uncertain significance (1 of 4 stars; one submission).

Conditions:
Hereditary cancer-predisposing syndrome. Also called: Hereditary Cancer Syndrome; Hereditary neoplastic syndrome; Neoplastic Syndromes, Hereditary; Tumor predisposition. Identifiers: Orphanet 140162, MedGen C0027672, MeSH D009386, MONDO:0015356.

Submission:

Ambry Genetics
Classification: Uncertain significance for Hereditary cancer-predisposing syndrome. Last evaluated: 2022-08-04. Review status: criteria provided, single submitter. Criteria: Ambry Variant Classification Scheme 2023. Collection method: clinical testing. Allele origin: germline.
Comment: The p.P433Q variant (also known as c.1298C>A), located in coding exon 10 of the NBN gene, results from a C to A substitution at nucleotide position 1298. The proline at codon 433 is replaced by glutamine, an amino acid with similar properties. This amino acid position is conserved. In addition, this alteration is predicted to be tolerated by in silico analysis. Since supporting evidence is limited at this time, the clinical significance of this alteration remains unclear.